The following is an entry in ClinVar:

ClinVar aggregate classification (germline): Uncertain significance. Review status: criteria provided, multiple submitters, no conflicts (2 of 4 stars). 2 submissions from 2 submitters: Uncertain significance (2). Last evaluated 2023-02-16.

Conditions:
Heterotopia, periventricular, X-linked dominant (PVNH1). Also called: PERIVENTRICULAR NODULAR HETEROTOPIA 1; X-linked periventricular heterotopia; PERIVENTRICULAR NODULAR HETEROTOPIA 4; HETEROTOPIA, PERIVENTRICULAR, 1. Identifiers: Orphanet 2149, Orphanet 82004, MedGen C1848213, MONDO:0010233, OMIM 300049.
Melnick-Needles syndrome (MNS). Also called: Melnick-Needles Syndrome (FLNA-MNS); MELNICK-NEEDLES OSTEODYSPLASTY; OSTEODYSPLASTY OF MELNICK AND NEEDLES. Identifiers: Orphanet 2484, MedGen C0025237, MONDO:0010650, OMIM 309350.
Frontometaphyseal dysplasia (FMD1). Identifiers: Orphanet 1826, MedGen C0265293, MONDO:0015942.
Oto-palato-digital syndrome, type II (OPD2). Also called: Otopalatodigital Syndrome Type 2 (FLNA-OPD2); FACIOPALATOOSSEOUS SYNDROME; OPD II SYNDROME; Otopalatodigital Syndrome, Type II. Identifiers: Orphanet 669, Orphanet 90652, MedGen C1844696, MONDO:0010571, OMIM 304120.

gnomAD v4.1: 1 of 1,211,699 alleles (0.000083%); no homozygotes.

Submissions (2):

Labcorp Genetics (formerly Invitae), Labcorp
Classification: Uncertain significance for Oto-palato-digital syndrome, type II; Heterotopia, periventricular, X-linked dominant; Frontometaphyseal dysplasia; Melnick-Needles syndrome. Last evaluated: 2023-02-16. Review status: criteria provided, single submitter. Criteria: Invitae Variant Classification Sherloc (09022015). Collection method: clinical testing. Allele origin: germline.
Comment: This sequence change replaces alanine, which is neutral and non-polar, with threonine, which is neutral and polar, at codon 1160 of the FLNA protein (p.Ala1160Thr). This variant is not present in population databases (gnomAD no frequency). This variant has not been reported in the literature in individuals affected with FLNA-related conditions. ClinVar contains an entry for this variant (Variation ID: 1519511). Advanced modeling of protein sequence and biophysical properties (such as structural, functional, and spatial information, amino acid conservation, physicochemical variation, residue mobility, and thermodynamic stability) performed at Invitae indicates that this missense variant is not expected to disrupt FLNA protein function. In summary, the available evidence is currently insufficient to determine the role of this variant in disease. Therefore, it has been classified as a Variant of Uncertain Significance.

AiLife Diagnostics
Classification: Uncertain significance. Last evaluated: 2020-05-07. Review status: criteria provided, single submitter. Criteria: ACMG Guidelines, 2015. Collection method: clinical testing. Allele origin: germline. Affected: yes. Observed: 1 variant allele.

NM_001110556.2(FLNA):c.3478G>A (p.Ala1160Thr)

Gene: FLNA (filamin A; minus strand). Cytogenetic location: Xq28.
Variant type: single nucleotide variant.
Coding change: c.3478G>A on transcript NM_001110556.2 (MANE Select); coding-DNA position 3478, G replaced by A.
Protein change: p.Ala1160Thr; replaces alanine 1160 with threonine.
Molecular consequence: missense variant.
Genome position (GRCh38, 1-based): chrX:154,360,317, C>T on the plus strand (G>A on the coding strand, the complement: FLNA is on the minus strand). VCF-style: chrX-154360317-C-T. GRCh37 (hg19) VCF-style: chrX-153588685-C-T.
Other names: c.3478G>A, p.Ala1160Thr (NM_001456.4); short protein forms A1160T.
Identifiers: ClinVar variation 1519511 (VCV001519511.7), dbSNP rs2148112194, ClinGen allele CA415227141.